The following is an entry in ClinVar:

NM_024649.5(BBS1):c.227T>A (p.Val76Glu)

Gene: BBS1 (Bardet-Biedl syndrome 1; plus strand). Cytogenetic location: 11q13.2.
Variant type: single nucleotide variant.
Coding change: c.227T>A on transcript NM_024649.5 (MANE Select); coding-DNA position 227, T replaced by A.
Protein change: p.Val76Glu; replaces valine 76 with glutamic acid.
Molecular consequence: missense variant.
Genome position (GRCh38, 1-based): chr11:66,514,473, T>A. VCF-style: chr11-66514473-T-A. GRCh37 (hg19) VCF-style: chr11-66281944-T-A.
Other names: short protein forms V76E.
Identifiers: ClinVar variation 1065728 (VCV001065728.9), dbSNP rs2134771309, ClinGen allele CA381456012.

ClinVar aggregate classification (germline): Uncertain significance. Review status: criteria provided, multiple submitters, no conflicts (2 of 4 stars). 2 submissions from 2 submitters: Uncertain significance (2). Last evaluated 2022-04-07.

Conditions:
Bardet-Biedl syndrome (BBS). Identifiers: Orphanet 110, MedGen C0752166, MONDO:0015229.
Bardet-Biedl syndrome 1 (BBS1). Identifiers: MedGen C2936862, MONDO:0008854, OMIM 209900. Disease mechanism: loss of function.

Submissions (2):

Labcorp Genetics (formerly Invitae), Labcorp
Classification: Uncertain significance for Bardet-Biedl syndrome. Last evaluated: 2022-04-07. Review status: criteria provided, single submitter. Criteria: Invitae Variant Classification Sherloc (09022015). Collection method: clinical testing. Allele origin: germline.
Comment: This sequence change replaces valine, which is neutral and non-polar, with glutamic acid, which is acidic and polar, at codon 76 of the BBS1 protein (p.Val76Glu). This variant is not present in population databases (gnomAD no frequency). This variant has not been reported in the literature in individuals affected with BBS1-related conditions. ClinVar contains an entry for this variant (Variation ID: 1065728). Algorithms developed to predict the effect of missense changes on protein structure and function are either unavailable or do not agree on the potential impact of this missense change (SIFT: "Tolerated"; PolyPhen-2: "Possibly Damaging"; Align-GVGD: "Class C0"). In summary, the available evidence is currently insufficient to determine the role of this variant in disease. Therefore, it has been classified as a Variant of Uncertain Significance.

Ocular Genomics Institute, Massachusetts Eye and Ear
Classification: Uncertain significance for Bardet-Biedl syndrome 1. Last evaluated: 2021-04-08. Review status: criteria provided, single submitter. Criteria: ACMG Guidelines, 2015. Collection method: research. Allele origin: germline. Affected: yes.
Comment: Through a review of available evidence we were able to apply the following criteria: PM2. Based on this evidence we have classified this variant as Variant of Uncertain Significance.